The following is an entry in ClinVar:

NM_003392.7(WNT5A):c.41T>G (p.Leu14Trp)

Gene: WNT5A (Wnt family member 5A; minus strand). Cytogenetic location: 3p14.3.
Variant type: single nucleotide variant.
Coding change: c.41T>G on transcript NM_003392.7 (MANE Select); coding-DNA position 41, T replaced by G.
Protein change: p.Leu14Trp; replaces leucine 14 with tryptophan.
Molecular consequence: missense variant. On other transcripts: 5 prime UTR variant (3).
Genome position (GRCh38, 1-based): chr3:55,480,884, A>C on the plus strand (T>G on the coding strand, the complement: WNT5A is on the minus strand). VCF-style: chr3-55480884-A-C. GRCh37 (hg19) VCF-style: chr3-55514912-A-C.
Other names: c.-5T>G (NM_001256105.1, NM_001377271.1, NM_001377272.1); short protein forms L14W.
Identifiers: ClinVar variation 2809966 (VCV002809966.3), dbSNP rs886058746, ClinGen allele CA353268136.

ClinVar aggregate classification (germline): Uncertain significance (1 of 4 stars; one submission).

gnomAD v4.1: 1 of 1,589,170 alleles (0.000063%); no homozygotes.

Submission:

Labcorp Genetics (formerly Invitae), Labcorp
Classification: Uncertain significance. Last evaluated: 2022-10-27. Review status: criteria provided, single submitter. Criteria: Invitae Variant Classification Sherloc (09022015). Collection method: clinical testing. Allele origin: germline.
Comment: This sequence change replaces leucine, which is neutral and non-polar, with tryptophan, which is neutral and slightly polar, at codon 14 of the WNT5A protein (p.Leu14Trp). This variant is not present in population databases (gnomAD no frequency). This variant has not been reported in the literature in individuals affected with WNT5A-related conditions. Algorithms developed to predict the effect of missense changes on protein structure and function (SIFT, PolyPhen-2, Align-GVGD) all suggest that this variant is likely to be tolerated. In summary, the available evidence is currently insufficient to determine the role of this variant in disease. Therefore, it has been classified as a Variant of Uncertain Significance.